The following is an entry in ClinVar:

ClinVar aggregate classification (germline): Likely benign. Review status: criteria provided, multiple submitters, no conflicts (2 of 4 stars). 2 submissions from 2 submitters: Likely benign (2). Last evaluated 2025-12-30.

Conditions:
Primary ciliary dyskinesia. Also called: Ciliary dyskinesia. Identifiers: Orphanet 244, MedGen C0008780, MONDO:0016575, HP:0012265.
MCIDAS-related disorder. Also called: MCIDAS-related condition.

Allele frequency attached by ClinVar (database versions not stated): gnomAD 0.00001 and 0.00010; gnomAD exomes 0.00012 and 0.00027; ExAC 0.00081.
gnomAD v4.1: 180 of 1,535,984 alleles (0.012%); highest among the groups gnomAD compares: South Asian, 0.2%; 1 homozygote.

Submissions (2):

Labcorp Genetics (formerly Invitae), Labcorp
Classification: Likely benign for Primary ciliary dyskinesia. Last evaluated: 2025-12-30. Review status: criteria provided, single submitter. Criteria: Invitae Variant Classification Sherloc (09022015). Collection method: clinical testing. Allele origin: germline.

PreventionGenetics, part of Exact Sciences
Classification: Likely benign for MCIDAS-related condition. Last evaluated: 2025-02-13. Review status: criteria provided, single submitter. Criteria: ACMG Guidelines, 2015. Collection method: clinical testing. Allele origin: germline.
Comment: This variant is classified as likely benign based on ACMG/AMP sequence variant interpretation guidelines (Richards et al. 2015 PMID: 25741868, with internal and published modifications).

NM_001190787.3(MCIDAS):c.893G>A (p.Arg298His)

Gene: MCIDAS (multiciliate differentiation and DNA synthesis associated cell cycle protein; minus strand). Cytogenetic location: 5q11.2.
Variant type: single nucleotide variant.
Coding change: c.893G>A on transcript NM_001190787.3 (MANE Select); coding-DNA position 893, G replaced by A.
Protein change: p.Arg298His; replaces arginine 298 with histidine.
Molecular consequence: missense variant.
Genome position (GRCh38, 1-based): chr5:55,220,631, C>T on the plus strand (G>A on the coding strand, the complement: MCIDAS is on the minus strand). VCF-style: chr5-55220631-C-T. GRCh37 (hg19) VCF-style: chr5-54516459-C-T.
Other names: short protein forms R298H.
Identifiers: ClinVar variation 743286 (VCV000743286.9), dbSNP rs757280816, ClinGen allele CA3266547.
Genomic context (GRCh38, chr5:55,220,631, plus strand): 5'-TTCCCGGGCCTGGTGTCAGTATTCGCGGGCTCTGGCAGCAGTCGGGGCCGCTTGGGATCG[C>T]GGCTCTGAAGGGCTTCATCGCAGCGCTCGGAAATCTCCCTCAGGATGGCGTCCACTTCCG-3'
Protein context (NP_001177716.1, residues 288-308): SERCDEALQS[Arg298His]DPKRPRLLPE